The following is an entry in ClinVar:

ClinVar aggregate classification (germline): Uncertain significance. Review status: criteria provided, multiple submitters, no conflicts (2 of 4 stars). 2 submissions from 2 submitters: Uncertain significance (2). Last evaluated 2024-04-01.

Conditions:
Inborn genetic diseases. Identifiers: MedGen C0950123, MeSH D030342.
Glycogen storage disease due to muscle and heart glycogen synthase deficiency. Also called: GSD 0b; MUSCLE GLYCOGEN SYNTHASE DEFICIENCY. Identifiers: Orphanet 137625, MedGen C1969054, MONDO:0012693, OMIM 611556.

Allele frequency attached by ClinVar (database versions not stated): gnomAD 0.00004; TOPMed 0.00005; ExAC 0.00007; gnomAD exomes 0.00008.
gnomAD v4.1: 31 of 1,613,688 alleles (0.0019%); highest among the groups gnomAD compares: East Asian, 0.031%; no homozygotes.

Submissions (2):

Ambry Genetics
Classification: Uncertain significance for Inborn genetic diseases. Last evaluated: 2024-04-01. Review status: criteria provided, single submitter. Criteria: Ambry Variant Classification Scheme 2023. Collection method: clinical testing. Allele origin: germline.

Labcorp Genetics (formerly Invitae), Labcorp
Classification: Uncertain significance for Glycogen storage disease due to muscle and heart glycogen synthase deficiency. Last evaluated: 2022-04-09. Review status: criteria provided, single submitter. Criteria: Invitae Variant Classification Sherloc (09022015). Collection method: clinical testing. Allele origin: germline.
Comment: This sequence change replaces asparagine, which is neutral and polar, with serine, which is neutral and polar, at codon 350 of the GYS1 protein (p.Asn350Ser). This variant is present in population databases (rs776808234, gnomAD 0.06%). This variant has not been reported in the literature in individuals affected with GYS1-related conditions. ClinVar contains an entry for this variant (Variation ID: 1024950). Algorithms developed to predict the effect of missense changes on protein structure and function are either unavailable or do not agree on the potential impact of this missense change (SIFT: "Deleterious"; PolyPhen-2: "Probably Damaging"; Align-GVGD: "Class C0"). In summary, the available evidence is currently insufficient to determine the role of this variant in disease. Therefore, it has been classified as a Variant of Uncertain Significance.

NM_002103.5(GYS1):c.1049A>G (p.Asn350Ser)

Gene: GYS1 (glycogen synthase 1; minus strand). Cytogenetic location: 19q13.33.
Variant type: single nucleotide variant.
Coding change: c.1049A>G on transcript NM_002103.5 (MANE Select); coding-DNA position 1049, A replaced by G.
Protein change: p.Asn350Ser; replaces asparagine 350 with serine.
Molecular consequence: missense variant. On other transcripts: non-coding transcript variant (1).
Genome position (GRCh38, 1-based): chr19:48,982,268, T>C on the plus strand (A>G on the coding strand, the complement: GYS1 is on the minus strand). VCF-style: chr19-48982268-T-C. GRCh37 (hg19) VCF-style: chr19-49485525-T-C.
Other names: c.857A>G, p.Asn286Ser (NM_001161587.2); c.1049A>G (NM_002103.4); short protein forms N286S, N350S.
Identifiers: ClinVar variation 1024950 (VCV001024950.5), dbSNP rs776808234, ClinGen allele CA9563129.